The following is an entry in ClinVar:

ClinVar aggregate classification (germline): Uncertain significance (1 of 4 stars; one submission).

Submission:

Labcorp Genetics (formerly Invitae), Labcorp
Classification: Uncertain significance. Last evaluated: 2023-11-20. Review status: criteria provided, single submitter. Criteria: Invitae Variant Classification Sherloc (09022015). Collection method: clinical testing. Allele origin: germline.
Comment: This sequence change replaces proline, which is neutral and non-polar, with leucine, which is neutral and non-polar, at codon 124 of the PROM1 protein (p.Pro124Leu). This variant is not present in population databases (gnomAD no frequency). This variant has not been reported in the literature in individuals affected with PROM1-related conditions. Advanced modeling of protein sequence and biophysical properties (such as structural, functional, and spatial information, amino acid conservation, physicochemical variation, residue mobility, and thermodynamic stability) performed at Invitae indicates that this missense variant is expected to disrupt PROM1 protein function with a positive predictive value of 80%. In summary, the available evidence is currently insufficient to determine the role of this variant in disease. Therefore, it has been classified as a Variant of Uncertain Significance.

NM_006017.3(PROM1):c.371C>T (p.Pro124Leu)

Gene: PROM1 (prominin 1; minus strand). Cytogenetic location: 4p15.32.
Variant type: single nucleotide variant.
Coding change: c.371C>T on transcript NM_006017.3 (MANE Select); coding-DNA position 371, C replaced by T.
Protein change: p.Pro124Leu; replaces proline 124 with leucine.
Molecular consequence: missense variant.
Genome position (GRCh38, 1-based): chr4:16,033,442, G>A on the plus strand (C>T on the coding strand, the complement: PROM1 is on the minus strand). VCF-style: chr4-16033442-G-A. GRCh37 (hg19) VCF-style: chr4-16035065-G-A.
Other names: c.344C>T, p.Pro115Leu (NM_001371407.1, NM_001371408.1, NM_001145847.2 and 4 more transcripts); c.371C>T, p.Pro124Leu (NM_001145849.2, NM_001145850.2); short protein forms P115L, P124L.
Identifiers: ClinVar variation 2782583 (VCV002782583.3), dbSNP rs2530798968, ClinGen allele CA356427780.